The following is an entry in ClinVar:

ClinVar aggregate classification (germline): Uncertain significance. Review status: criteria provided, multiple submitters, no conflicts (2 of 4 stars). 2 submissions from 2 submitters: Uncertain significance (2). Last evaluated 2025-03-24.

Conditions:
Multiple endocrine neoplasia, type 1 (MEN1). Also called: MEN I; WERMER SYNDROME; Endocrine adenomatosis multiple; MEN 1; MEA I. Identifiers: Orphanet 652, MedGen C0025267, MeSH D018761, MONDO:0007540, OMIM 131100.
Hereditary cancer-predisposing syndrome. Also called: Neoplastic Syndromes, Hereditary; Hereditary neoplastic syndrome; Tumor predisposition; Hereditary Cancer Syndrome. Identifiers: Orphanet 140162, MedGen C0027672, MeSH D009386, MONDO:0015356.

Submissions (2):

Labcorp Genetics (formerly Invitae), Labcorp
Classification: Uncertain significance for Multiple endocrine neoplasia, type 1. Last evaluated: 2025-03-24. Review status: criteria provided, single submitter. Criteria: Invitae Variant Classification Sherloc (09022015). Collection method: clinical testing. Allele origin: germline.
Comment: This sequence change replaces serine, which is neutral and polar, with arginine, which is basic and polar, at codon 66 of the MEN1 protein (p.Ser66Arg). This variant is not present in population databases (gnomAD no frequency). This variant has not been reported in the literature in individuals affected with MEN1-related conditions. ClinVar contains an entry for this variant (Variation ID: 3294217). Invitae Evidence Modeling of protein sequence and biophysical properties (such as structural, functional, and spatial information, amino acid conservation, physicochemical variation, residue mobility, and thermodynamic stability) indicates that this missense variant is not expected to disrupt MEN1 protein function with a negative predictive value of 80%. In summary, the available evidence is currently insufficient to determine the role of this variant in disease. Therefore, it has been classified as a Variant of Uncertain Significance.

Ambry Genetics
Classification: Uncertain significance for Hereditary cancer-predisposing syndrome. Last evaluated: 2024-05-10. Review status: criteria provided, single submitter. Criteria: Ambry Variant Classification Scheme 2023. Collection method: clinical testing. Allele origin: germline.
Comment: The p.S66R variant (also known as c.198C>A), located in coding exon 1 of the MEN1 gene, results from a C to A substitution at nucleotide position 198. The serine at codon 66 is replaced by arginine, an amino acid with dissimilar properties. This amino acid position is conserved. In addition, the in silico prediction for this alteration is inconclusive. Based on the available evidence, the clinical significance of this variant remains unclear.

NM_001370259.2(MEN1):c.198C>A (p.Ser66Arg)

Gene: MEN1 (menin 1; minus strand). Cytogenetic location: 11q13.1.
Variant type: single nucleotide variant.
Coding change: c.198C>A on transcript NM_001370259.2 (MANE Select); coding-DNA position 198, C replaced by A.
Protein change: p.Ser66Arg; replaces serine 66 with arginine.
Molecular consequence: missense variant. On other transcripts: non-coding transcript variant (4).
Genome position (GRCh38, 1-based): chr11:64,809,912, G>T on the plus strand (C>A on the coding strand, the complement: MEN1 is on the minus strand). VCF-style: chr11-64809912-G-T. GRCh37 (hg19) VCF-style: chr11-64577384-G-T.
Other names: c.198C>A, p.Ser66Arg (NM_000244.4, NM_001370251.2, NM_001370260.2 and 20 more transcripts); short protein forms S66R.
Identifiers: ClinVar variation 3294217 (VCV003294217.3).